The following is an entry in ClinVar:

ClinVar aggregate classification (germline): Uncertain significance. Review status: criteria provided, multiple submitters, no conflicts (2 of 4 stars). 3 submissions from 3 submitters: Uncertain significance (3). Last evaluated 2025-11-18.

Conditions:
Lung cancer. Also called: Lung cancer, somatic; Malignant tumor of lung. Identifiers: MedGen C0242379, MONDO:0008903, OMIM 211980.
Hereditary cancer-predisposing syndrome. Also called: Neoplastic Syndromes, Hereditary; Hereditary Cancer Syndrome; Tumor predisposition; Hereditary neoplastic syndrome. Identifiers: Orphanet 140162, MedGen C0027672, MeSH D009386, MONDO:0015356.
EGFR-related lung cancer (EGFR). Identifiers: MedGen CN130014.

Allele frequency attached by ClinVar (database versions not stated): ExAC 0.00001; gnomAD exomes 0.00003 and 0.00004; TOPMed 0.00003; gnomAD 0.00005; 1000 Genomes Project 30x 0.00016; 1000 Genomes Project 0.00020.
gnomAD v4.1: 52 of 1,614,028 alleles (0.0032%); highest among the groups gnomAD compares: Admixed American, 0.017%; no homozygotes.

Submissions (3):

Labcorp Genetics (formerly Invitae), Labcorp
Classification: Uncertain significance for EGFR-related lung cancer. Last evaluated: 2025-11-18. Review status: criteria provided, single submitter. Criteria: Invitae Variant Classification Sherloc (09022015). Collection method: clinical testing. Allele origin: germline.
Comment: This sequence change replaces arginine, which is basic and polar, with glutamine, which is neutral and polar, at codon 1031 of the EGFR protein (p.Arg1031Gln). This variant is present in population databases (rs570295933, gnomAD 0.01%). This variant has not been reported in the literature in individuals affected with EGFR-related conditions. ClinVar contains an entry for this variant (Variation ID: 997471). An algorithm developed to predict the effect of missense changes on protein structure and function (PolyPhen-2) suggests that this variant is likely to be disruptive. In summary, the available evidence is currently insufficient to determine the role of this variant in disease. Therefore, it has been classified as a Variant of Uncertain Significance.

Ambry Genetics
Classification: Uncertain significance for Hereditary cancer-predisposing syndrome. Last evaluated: 2024-12-23. Review status: criteria provided, single submitter. Criteria: Ambry Variant Classification Scheme 2023. Collection method: clinical testing. Allele origin: germline.
Comment: The p.R1031Q variant (also known as c.3092G>A), located in coding exon 25 of the EGFR gene, results from a G to A substitution at nucleotide position 3092. The arginine at codon 1031 is replaced by glutamine, an amino acid with highly similar properties. This amino acid position is well conserved in available vertebrate species. In addition, this alteration is predicted to be tolerated by in silico analysis. Based on the available evidence, the clinical significance of this variant remains unclear.

Baylor Genetics
Classification: Uncertain significance for Lung cancer. Last evaluated: 2020-01-13. Review status: criteria provided, single submitter. Criteria: ACMG Guidelines, 2015. Collection method: clinical testing. Allele origin: paternal. Affected: yes. Study: CSER-TexasKidsCanSeq.
Comment: This variant was determined to be of uncertain significance according to ACMG Guidelines, 2015 [PMID:25741868].

NM_005228.5(EGFR):c.3092G>A (p.Arg1031Gln)

Gene: EGFR (epidermal growth factor receptor; plus strand). Cytogenetic location: 7p11.2.
Variant type: single nucleotide variant.
Coding change: c.3092G>A on transcript NM_005228.5 (MANE Select); coding-DNA position 3092, G replaced by A.
Protein change: p.Arg1031Gln; replaces arginine 1031 with glutamine.
Molecular consequence: missense variant.
Genome position (GRCh38, 1-based): chr7:55,201,333, G>A. VCF-style: chr7-55201333-G-A. GRCh37 (hg19) VCF-style: chr7-55269026-G-A.
Other names: c.2957G>A, p.Arg986Gln (NM_001346897.2, NM_001346899.2); c.3092G>A, p.Arg1031Gln (NM_001346898.2); c.2933G>A, p.Arg978Gln (NM_001346900.2); c.2291G>A, p.Arg764Gln (NM_001346941.2); c.3092G>A (NM_005228.3); short protein forms R1031Q, R764Q, R978Q, R986Q.
Identifiers: ClinVar variation 997471 (VCV000997471.10), dbSNP rs570295933, ClinGen allele CA4266254.